The following is an entry in ClinVar:

ClinVar aggregate classification (germline): Uncertain significance (1 of 4 stars; one submission).

Conditions:
Emery-Dreifuss muscular dystrophy (EDMD). Also called: Scapuloperoneal syndrome, X-linked (formerly); Humeroperoneal neuromuscular disease, (formerly). Identifiers: Orphanet 261, MedGen C0410189, MONDO:0016830.

Submission:

Labcorp Genetics (formerly Invitae), Labcorp
Classification: Uncertain significance for Emery-Dreifuss muscular dystrophy. Last evaluated: 2024-08-19. Review status: criteria provided, single submitter. Criteria: Invitae Variant Classification Sherloc (09022015). Collection method: clinical testing. Allele origin: germline.
Comment: This sequence change replaces serine, which is neutral and polar, with phenylalanine, which is neutral and non-polar, at codon 455 of the SUN2 protein (p.Ser455Phe). This variant is not present in population databases (gnomAD no frequency). This variant has not been reported in the literature in individuals affected with SUN2-related conditions. An algorithm developed to predict the effect of missense changes on protein structure and function (PolyPhen-2) suggests that this variant is likely to be disruptive. In summary, the available evidence is currently insufficient to determine the role of this variant in disease. Therefore, it has been classified as a Variant of Uncertain Significance.

NM_015374.3(SUN2):c.1364C>T (p.Ser455Phe)

Genes: GTPBP1 (GTP binding protein 1; plus strand), SUN2 (Sad1 and UNC84 domain containing 2; minus strand). Cytogenetic location: 22q13.1.
Variant type: single nucleotide variant.
Coding change: c.1364C>T on transcript NM_015374.3 (MANE Select); coding-DNA position 1364, C replaced by T.
Protein change: p.Ser455Phe; replaces serine 455 with phenylalanine.
Molecular consequence: missense variant.
Genome position (GRCh38, 1-based): chr22:38,739,936, G>A on the plus strand (C>T on the coding strand, the complement: SUN2 is on the minus strand). VCF-style: chr22-38739936-G-A. GRCh37 (hg19) VCF-style: chr22-39135941-G-A.
Other names: c.1409C>T, p.Ser470Phe (NM_001394429.1, NM_001394430.1); c.1364C>T, p.Ser455Phe (NM_001394431.1, NM_001394432.1, NM_001394433.1 and 5 more transcripts); c.1427C>T, p.Ser476Phe (NM_001199579.2, NM_001394428.1); c.1457C>T, p.Ser486Phe (NM_001394427.1); c.1274C>T, p.Ser425Phe (NM_001394438.1); c.1226C>T, p.Ser409Phe (NM_001394439.1, NM_001394440.1, NM_001394441.1); c.965C>T, p.Ser322Phe (NM_001394442.1); c.872C>T, p.Ser291Phe (NM_001394443.1); and 1 more; short protein forms S263F, S291F, S322F, S409F, S425F, S455F, S470F, S476F.
Identifiers: ClinVar variation 3622333 (VCV003622333.2).